The following is an entry in ClinVar:

NM_004484.4(GPC3):c.1085A>G (p.Tyr362Cys)

Gene: GPC3 (glypican 3; minus strand). Cytogenetic location: Xq26.2.
Variant type: single nucleotide variant.
Coding change: c.1085A>G on transcript NM_004484.4 (MANE Select); coding-DNA position 1085, A replaced by G.
Protein change: p.Tyr362Cys; replaces tyrosine 362 with cysteine.
Molecular consequence: missense variant.
Genome position (GRCh38, 1-based): chrX:133,699,976, T>C on the plus strand (A>G on the coding strand, the complement: GPC3 is on the minus strand). VCF-style: chrX-133699976-T-C. GRCh37 (hg19) VCF-style: chrX-132834004-T-C.
Other names: c.1154A>G, p.Tyr385Cys (NM_001164617.2); c.1037A>G, p.Tyr346Cys (NM_001164618.2); c.923A>G, p.Tyr308Cys (NM_001164619.2); short protein forms Y362C, Y308C, Y385C, Y346C.
Identifiers: ClinVar variation 239933 (VCV000239933.9), dbSNP rs878854705, ClinGen allele CA10583931.

ClinVar aggregate classification (germline): Uncertain significance (1 of 4 stars; one submission).

Conditions:
Wilms tumor 1 (WT1). Also called: Wilms tumor, somatic. Identifiers: Orphanet 654, MedGen CN033288, MONDO:0008679, OMIM 194070.

Submission:

Labcorp Genetics (formerly Invitae), Labcorp
Classification: Uncertain significance for Wilms tumor 1. Last evaluated: 2021-05-28. Review status: criteria provided, single submitter. Criteria: Invitae Variant Classification Sherloc (09022015). Collection method: clinical testing. Allele origin: germline.
Comment: Algorithms developed to predict the effect of missense changes on protein structure and function are either unavailable or do not agree on the potential impact of this missense change (SIFT: "Tolerated"; PolyPhen-2: "Probably Damaging"; Align-GVGD: "Class C0"). In summary, the available evidence is currently insufficient to determine the role of this variant in disease. Therefore, it has been classified as a Variant of Uncertain Significance. This variant has not been reported in the literature in individuals with GPC3-related conditions. ClinVar contains an entry for this variant (Variation ID: 239933). This sequence change replaces tyrosine with cysteine at codon 362 of the GPC3 protein (p.Tyr362Cys). The tyrosine residue is moderately conserved and there is a large physicochemical difference between tyrosine and cysteine. This variant is not present in population databases (ExAC no frequency).